The following is an entry in ClinVar:

NM_000059.4(BRCA2):c.4923A>C (p.Glu1641Asp)

Gene: BRCA2 (BRCA2 DNA repair associated; plus strand). Cytogenetic location: 13q13.1.
Variant type: single nucleotide variant.
Coding change: c.4923A>C on transcript NM_000059.4 (MANE Select); coding-DNA position 4923, A replaced by C.
Protein change: p.Glu1641Asp; replaces glutamic acid 1641 with aspartic acid.
Molecular consequence: missense variant.
Genome position (GRCh38, 1-based): chr13:32,339,278, A>C. VCF-style: chr13-32339278-A-C. GRCh37 (hg19) VCF-style: chr13-32913415-A-C.
Other names: short protein forms E1641D.
Identifiers: ClinVar variation 661361 (VCV000661361.14), dbSNP rs1566231372, ClinGen allele CA387783633.
Genomic context (GRCh38, chr13:32,339,278, plus strand): 5'-TAGACAAACTGAAAATCTCAAAACATCAAAAAGTATCTTTTTGAAAGTTAAAGTACATGA[A>C]AATGTAGAAAAAGAAACAGCAAAAAGTCCTGCAACTTGTTACACAAATCAGTCCCCTTAT-3'
Protein context (NP_000050.3, residues 1631-1651): KSIFLKVKVH[Glu1641Asp]NVEKETAKSP

ClinVar aggregate classification (germline): Conflicting classifications of pathogenicity. Review status: criteria provided, conflicting classifications (1 of 4 stars). 3 submissions from 3 submitters: Uncertain significance (2); Likely benign (1). Last evaluated 2023-03-23.

Conditions:
Hereditary breast ovarian cancer syndrome. Also called: Hereditary breast and ovarian cancer syndrome (HBOC); Hereditary breast and ovarian cancer syndrome; Breast and ovarian cancer; Hereditary breast and ovarian cancer; Hereditary breast and/or ovarian cancer syndrome; BRCA1- and BRCA2-Associated Hereditary Breast and Ovarian Cancer. Identifiers: Orphanet 145, MedGen C0677776, MeSH D061325, MONDO:0003582. Disease mechanism: loss of function.
Hereditary cancer-predisposing syndrome. Also called: Neoplastic Syndromes, Hereditary; Tumor predisposition; Hereditary neoplastic syndrome; Hereditary Cancer Syndrome. Identifiers: Orphanet 140162, MedGen C0027672, MeSH D009386, MONDO:0015356.

Submissions (3):

University of Washington Department of Laboratory Medicine, University of Washington
Classification: Likely benign for Hereditary cancer-predisposing syndrome. Last evaluated: 2023-03-23. Review status: criteria provided, single submitter. Criteria: Dines et al. (Genet Med. 2020). Collection method: curation. Allele origin: germline.
Comment: Missense variant in a coldspot region where missense variants are very unlikely to be pathogenic (PMID:31911673).

BRCA2 exon 11 coldspot. Reclassification based on statistical prior probability.

Ambry Genetics
Classification: Uncertain significance for Hereditary cancer-predisposing syndrome. Last evaluated: 2019-09-19. Review status: criteria provided, single submitter. Criteria: Ambry Variant Classification Scheme 2023. Collection method: clinical testing. Allele origin: germline.
Comment: The p.E1641D variant (also known as c.4923A>C), located in coding exon 10 of the BRCA2 gene, results from an A to C substitution at nucleotide position 4923. The glutamic acid at codon 1641 is replaced by aspartic acid, an amino acid with highly similar properties. This amino acid position is poorly conserved in available vertebrate species. In addition, this alteration is predicted to be tolerated by in silico analysis. Since supporting evidence is limited at this time, the clinical significance of this alteration remains unclear.

Labcorp Genetics (formerly Invitae), Labcorp
Classification: Uncertain significance for Hereditary breast ovarian cancer syndrome. Last evaluated: 2018-07-09. Review status: criteria provided, single submitter. Criteria: Invitae Variant Classification Sherloc (09022015). Collection method: clinical testing. Allele origin: germline.
Comment: This variant is not present in population databases (ExAC no frequency). In summary, the available evidence is currently insufficient to determine the role of this variant in disease. Therefore, it has been classified as a Variant of Uncertain Significance. Algorithms developed to predict the effect of missense changes on protein structure and function are either unavailable or do not agree on the potential impact of this missense change (SIFT: "Tolerated"; PolyPhen-2: "Probably Damaging"; Align-GVGD: "Class C0"). This variant has not been reported in the literature in individuals with BRCA2-related disease. This sequence change replaces glutamic acid with aspartic acid at codon 1641 of the BRCA2 protein (p.Glu1641Asp). The glutamic acid residue is weakly conserved and there is a small physicochemical difference between glutamic acid and aspartic acid.